The following is an entry in ClinVar:

ClinVar aggregate classification (germline): Uncertain significance (1 of 4 stars; one submission).

Conditions:
Diffuse cerebral and cerebellar atrophy - intractable seizures - progressive microcephaly syndrome. Also called: Microcephaly, progressive, with seizures and cerebral and cerebellar atrophy. Identifiers: Orphanet 404437, MedGen C4014239, MONDO:0014335, OMIM 615760.

gnomAD v4.1: 1 of 1,604,348 alleles (0.000062%); highest among the groups gnomAD compares: Non-Finnish European, 0.000085%; no homozygotes.

Submission:

Labcorp Genetics (formerly Invitae), Labcorp
Classification: Uncertain significance for Diffuse cerebral and cerebellar atrophy - intractable seizures - progressive microcephaly syndrome. Last evaluated: 2022-02-18. Review status: criteria provided, single submitter. Criteria: Invitae Variant Classification Sherloc (09022015). Collection method: clinical testing. Allele origin: germline.
Comment: In summary, the available evidence is currently insufficient to determine the role of this variant in disease. Therefore, it has been classified as a Variant of Uncertain Significance. Algorithms developed to predict the effect of missense changes on protein structure and function (SIFT, PolyPhen-2, Align-GVGD) all suggest that this variant is likely to be disruptive. This variant has not been reported in the literature in individuals affected with QARS-related conditions. This variant is not present in population databases (gnomAD no frequency). This sequence change replaces arginine, which is basic and polar, with leucine, which is neutral and non-polar, at codon 629 of the QARS protein (p.Arg629Leu).

NM_005051.3(QARS1):c.1886G>T (p.Arg629Leu)

Gene: QARS1 (glutaminyl-tRNA synthetase 1; minus strand). Cytogenetic location: 3p21.31.
Variant type: single nucleotide variant.
Coding change: c.1886G>T on transcript NM_005051.3 (MANE Select); coding-DNA position 1886, G replaced by T.
Protein change: p.Arg629Leu; replaces arginine 629 with leucine.
Molecular consequence: missense variant. On other transcripts: non-coding transcript variant (1).
Genome position (GRCh38, 1-based): chr3:49,098,670, C>A on the plus strand (G>T on the coding strand, the complement: QARS1 is on the minus strand). VCF-style: chr3-49098670-C-A. GRCh37 (hg19) VCF-style: chr3-49136103-C-A.
Other names: c.1853G>T, p.Arg618Leu (NM_001272073.2); short protein forms R618L, R629L.
Identifiers: ClinVar variation 1980641 (VCV001980641.4), dbSNP rs139730889, ClinGen allele CA352700342.